The following is an entry in ClinVar:

NM_006488.3(KHK):c.*505G>A

Genes: CGREF1 (cell growth regulator with EF-hand domain 1; minus strand), KHK (ketohexokinase; plus strand). Cytogenetic location: 2p23.3.
Variant type: single nucleotide variant.
Coding change: c.*505G>A on transcript NM_006488.3 (MANE Select); 505 bases downstream of the stop codon, G replaced by A.
Molecular consequence: 3 prime UTR variant. On other transcripts: intron variant (2).
Genome position (GRCh38, 1-based): chr2:27,100,255, G>A. VCF-style: chr2-27100255-G-A. GRCh37 (hg19) VCF-style: chr2-27323123-G-A.
Other names: c.*505G>A (NM_000221.3); c.*20+161C>T (NM_001301324.2); c.343-415C>T (NM_001166240.2).
Identifiers: ClinVar variation 335511 (VCV000335511.7), dbSNP rs78939351, ClinGen allele CA10613064.
Genomic context (GRCh38, chr2:27,100,255, plus strand): 5'-CGTGAGAGCTCTTCGGGGCCCTGCGTTGTGCAGACTCTATTCCCACAGCTCAGAAGCTGG[G>A]AGTCCACACCGCTGAGCTGAACTGACAGGCCAGTGGGGGGCAGGGGTGCGCCTCCTCTGC-3'

ClinVar aggregate classification (germline): Benign (1 of 4 stars; one submission).

Conditions:
Essential fructosuria. Also called: KETOHEXOKINASE DEFICIENCY; HEPATIC FRUCTOKINASE DEFICIENCY. Identifiers: Orphanet 2056, MedGen C0268160, MONDO:0009252, OMIM 229800.

Allele frequency attached by ClinVar (database versions not stated): 1000 Genomes Project 0.00659; gnomAD 0.00094 and 0.00123; TOPMed 0.00183; 1000 Genomes Project 30x 0.00625; gnomAD exomes 0.00165.
gnomAD v4.1: 571 of 392,166 alleles (0.15%); highest among the groups gnomAD compares: East Asian, 3.7%; 20 homozygotes.

Submission:

Illumina Laboratory Services, Illumina
Classification: Benign for Essential fructosuria. Last evaluated: 2018-01-13. Review status: criteria provided, single submitter. Criteria: ICSL Variant Classification Criteria 13 December 2019. Collection method: clinical testing. Allele origin: germline.
Comment: This variant was observed in the ICSL laboratory as part of a predisposition screen in an ostensibly healthy population. It had not been previously curated by ICSL or reported in the Human Gene Mutation Database (HGMD: prior to June 1st, 2018), and was therefore a candidate for classification through an automated scoring system. Utilizing variant allele frequency, disease prevalence and penetrance estimates, and inheritance mode, an automated score was calculated to assess if this variant is too frequent to cause the disease. Based on the score and internal cut-off values, a variant classified as benign is not then subjected to further curation. The score for this variant resulted in a classification of benign for this disease.